The following is an entry in ClinVar:

ClinVar aggregate classification (germline): Likely pathogenic (1 of 4 stars; one submission).

Conditions:
Multiple congenital anomalies-hypotonia-seizures syndrome 1 (MCAHS1). Also called: PIGN-CDG; Congenital disorder of glycosylation due to PIGN deficiency; GLYCOSYLPHOSPHATIDYLINOSITOL BIOSYNTHESIS DEFECT 3. Identifiers: Orphanet 280633, MedGen C3279775, MONDO:0013563, OMIM 614080.

Submission:

Labcorp Genetics (formerly Invitae), Labcorp
Classification: Likely pathogenic for Multiple congenital anomalies-hypotonia-seizures syndrome 1. Last evaluated: 2019-11-27. Review status: criteria provided, single submitter. Criteria: Invitae Variant Classification Sherloc (09022015). Collection method: clinical testing. Allele origin: germline.
Comment: Donor and acceptor splice site variants typically lead to a loss of protein function (PMID: 16199547), and loss-of-function variants in PIGN are known to be pathogenic (PMID: 24253414, 27038415). This sequence change affects an acceptor splice site in intron 5 of the PIGN gene. It is expected to disrupt RNA splicing and likely results in an absent or disrupted protein product. This variant is not present in population databases (ExAC no frequency). This variant has not been reported in the literature in individuals with PIGN-related conditions. Algorithms developed to predict the effect of sequence changes on RNA splicing suggest that this variant may disrupt the consensus splice site, but this prediction has not been confirmed by published transcriptional studies. In summary, the currently available evidence indicates that the variant is pathogenic, but additional data are needed to prove that conclusively. Therefore, this variant has been classified as Likely Pathogenic.

Literature cited by the submitters: PubMed 16199547; PubMed 24253414; PubMed 27038415.

NM_176787.5(PIGN):c.344-1G>A

Gene: PIGN (phosphatidylinositol glycan anchor biosynthesis class N; minus strand). Cytogenetic location: 18q21.33.
Variant type: single nucleotide variant.
Coding change: c.344-1G>A on transcript NM_176787.5 (MANE Select); the canonical splice acceptor site of the intron before coding-DNA position 344, G replaced by A.
Molecular consequence: splice acceptor variant.
Genome position (GRCh38, 1-based): chr18:62,157,228, C>T on the plus strand (G>A on the coding strand, the complement: PIGN is on the minus strand). VCF-style: chr18-62157228-C-T. GRCh37 (hg19) VCF-style: chr18-59824461-C-T.
Other names: c.344-1G>A (NM_012327.6).
Identifiers: ClinVar variation 858722 (VCV000858722.8), dbSNP rs776568529, ClinGen allele CA402603479.
Genomic context (GRCh38, chr18:62,157,228, plus strand): 5'-TCCATGTGTATTTACTTTCATTAAAAAGAGAATCAAACTCTACAGGATTTTCCTTCCATC[C>T]TTCAGAAAGCAAGCAAGCAGTAATAGTTATATACACATGGTACAATAAGCCCCTAAAGAA-3'